The following is an entry in ClinVar:

ClinVar aggregate classification (germline): Uncertain significance (1 of 4 stars; one submission).

Conditions:
Neuronal ceroid lipofuscinosis 7 (CLN7). Also called: MFSD8-Related Neuronal Ceroid-Lipofuscinosis. Identifiers: Orphanet 168491, Orphanet 228366, MedGen C1838571, MONDO:0012588, OMIM 610951.

Submission:

Labcorp Genetics (formerly Invitae), Labcorp
Classification: Uncertain significance for Neuronal ceroid lipofuscinosis 7. Last evaluated: 2023-08-04. Review status: criteria provided, single submitter. Criteria: Invitae Variant Classification Sherloc (09022015). Collection method: clinical testing. Allele origin: germline.
Comment: This variant has not been reported in the literature in individuals affected with MFSD8-related conditions. In summary, the available evidence is currently insufficient to determine the role of this variant in disease. Therefore, it has been classified as a Variant of Uncertain Significance. Advanced modeling of protein sequence and biophysical properties (such as structural, functional, and spatial information, amino acid conservation, physicochemical variation, residue mobility, and thermodynamic stability) performed at Invitae indicates that this missense variant is not expected to disrupt MFSD8 protein function. ClinVar contains an entry for this variant (Variation ID: 2090221). This variant is not present in population databases (gnomAD no frequency). This sequence change replaces isoleucine, which is neutral and non-polar, with valine, which is neutral and non-polar, at codon 492 of the MFSD8 protein (p.Ile492Val).

NM_001371596.2(MFSD8):c.1474A>G (p.Ile492Val)

Gene: MFSD8 (major facilitator superfamily domain containing 8; minus strand). Cytogenetic location: 4q28.2.
Variant type: single nucleotide variant.
Coding change: c.1474A>G on transcript NM_001371596.2 (MANE Select); coding-DNA position 1474, A replaced by G.
Protein change: p.Ile492Val; replaces isoleucine 492 with valine.
Molecular consequence: missense variant.
Genome position (GRCh38, 1-based): chr4:127,920,713, T>C on the plus strand (A>G on the coding strand, the complement: MFSD8 is on the minus strand). VCF-style: chr4-127920713-T-C. GRCh37 (hg19) VCF-style: chr4-128841868-T-C.
Other names: c.1273A>G, p.Ile425Val (NM_001363520.3); c.1159A>G, p.Ile387Val (NM_001363521.3); c.1339A>G, p.Ile447Val (NM_001371590.2); c.1483A>G, p.Ile495Val (NM_001371591.2); c.1480A>G, p.Ile494Val (NM_001371592.2); c.1360A>G, p.Ile454Val (NM_001371593.2); c.1327A>G, p.Ile443Val (NM_001371594.2); c.1192A>G, p.Ile398Val (NM_001371595.1); and 3 more; short protein forms I425V, I447V, I342V, I387V, I398V, I443V, I454V, I492V.
Identifiers: ClinVar variation 2090221 (VCV002090221.4), dbSNP rs2148837001, ClinGen allele CA358170610.